The following is an entry in ClinVar:

ClinVar aggregate classification (germline): Pathogenic. Review status: criteria provided, multiple submitters, no conflicts (2 of 4 stars). 2 submissions from 2 submitters: Pathogenic (2). Last evaluated 2023-02-05.

Conditions:
Autosomal recessive limb-girdle muscular dystrophy type 2A (LGMDR1). Also called: LEYDEN-MOEBIUS MUSCULAR DYSTROPHY; MUSCULAR DYSTROPHY, PELVOFEMORAL; Limb-girdle muscular dystrophy, type 2A; Calpainopathy; Muscular dystrophy, limb-girdle, type 2A, Amish. Identifiers: Orphanet 267, MedGen C1869123, MONDO:0009675, OMIM 253600. Disease mechanism: loss of function.

Submissions (2):

GeneDx
Classification: Pathogenic. Last evaluated: 2023-02-05. Review status: criteria provided, single submitter. Criteria: GeneDx Variant Classification Process June 2021. Collection method: clinical testing. Allele origin: germline. Affected: yes.
Comment: Nonsense variant predicted to result in protein truncation or nonsense mediated decay in a gene for which loss of function is a known mechanism of disease; Not observed at significant frequency in large population cohorts (gnomAD); This variant is associated with the following publications: (PMID: 30056071, 31937337)

Kariminejad - Najmabadi Pathology & Genetics Center
Classification: Pathogenic for Autosomal recessive limb-girdle muscular dystrophy type 2A. Last evaluated: 2021-12-25. Review status: criteria provided, single submitter. Criteria: ACMG Guidelines, 2015. Collection method: clinical testing. Allele origin: germline. Inheritance: Autosomal recessive inheritance. Affected: yes. Observed: 2 variant alleles.
Comment: PVS1, PM2, PM3-supporting

NM_000070.3(CAPN3):c.1894A>T (p.Lys632Ter)

Gene: CAPN3 (calpain 3; plus strand). Cytogenetic location: 15q15.1.
Variant type: single nucleotide variant.
Coding change: c.1894A>T on transcript NM_000070.3 (MANE Select); coding-DNA position 1894, A replaced by T.
Protein change: p.Lys632Ter; replaces lysine 632 with a stop codon.
Molecular consequence: nonsense. On other transcripts: intron variant (3).
Genome position (GRCh38, 1-based): chr15:42,408,304, A>T. VCF-style: chr15-42408304-A-T. GRCh37 (hg19) VCF-style: chr15-42700502-A-T.
Other names: c.1876A>T, p.Lys626Ter (NM_024344.2); c.358A>T, p.Lys120Ter (NM_173088.2); c.*992A>T (NM_212464.2); c.*1569A>T (NM_212467.2); c.1639-999A>T (NM_173087.2); c.-81-999A>T (NM_173090.2, NM_173089.2); short protein forms K120*, K626*, K632*.
Identifiers: ClinVar variation 2574981 (VCV002574981.2), dbSNP rs2548287991, ClinGen allele CA392000861.